The following is an entry in ClinVar:

ClinVar aggregate classification (germline): Uncertain significance (1 of 4 stars; one submission).

Submission:

Labcorp Genetics (formerly Invitae), Labcorp
Classification: Uncertain significance. Last evaluated: 2023-12-06. Review status: criteria provided, single submitter. Criteria: Invitae Variant Classification Sherloc (09022015). Collection method: clinical testing. Allele origin: germline.
Comment: This sequence change replaces valine, which is neutral and non-polar, with glycine, which is neutral and non-polar, at codon 2468 of the SZT2 protein (p.Val2468Gly). This variant is not present in population databases (gnomAD no frequency). This variant has not been reported in the literature in individuals affected with SZT2-related conditions. ClinVar contains an entry for this variant (Variation ID: 1428772). Advanced modeling of protein sequence and biophysical properties (such as structural, functional, and spatial information, amino acid conservation, physicochemical variation, residue mobility, and thermodynamic stability) performed at Invitae indicates that this missense variant is not expected to disrupt SZT2 protein function with a negative predictive value of 80%. In summary, the available evidence is currently insufficient to determine the role of this variant in disease. Therefore, it has been classified as a Variant of Uncertain Significance.

NM_001365999.1(SZT2):c.7574T>G (p.Val2525Gly)

Gene: SZT2 (SZT2 subunit of KICSTOR complex; plus strand). Cytogenetic location: 1p34.2.
Variant type: single nucleotide variant.
Coding change: c.7574T>G on transcript NM_001365999.1 (MANE Select); coding-DNA position 7574, T replaced by G.
Protein change: p.Val2525Gly; replaces valine 2525 with glycine.
Molecular consequence: missense variant.
Genome position (GRCh38, 1-based): chr1:43,441,566, T>G. VCF-style: chr1-43441566-T-G. GRCh37 (hg19) VCF-style: chr1-43907237-T-G.
Other names: c.7403T>G, p.Val2468Gly (NM_015284.4); short protein forms V2468G, V2525G.
Identifiers: ClinVar variation 1428772 (VCV001428772.8), dbSNP rs2153935745, ClinGen allele CA340035337.